The following is an entry in ClinVar:

ClinVar aggregate classification (germline): Uncertain significance (1 of 4 stars; one submission).

Conditions:
Pulmonary fibrosis and/or bone marrow failure, Telomere-related, 3. Also called: PULMONARY FIBROSIS AND/OR BONE MARROW FAILURE SYNDROME, TELOMERE-RELATED, 3. Identifiers: Orphanet 2032, MedGen C4225346, MONDO:0014613, OMIM 616373.
Dyskeratosis congenita, autosomal recessive 5 (DKCB5). Identifiers: MedGen C3554656, MONDO:0014076, OMIM 615190.

Submission:

Labcorp Genetics (formerly Invitae), Labcorp
Classification: Uncertain significance for Dyskeratosis congenita, autosomal recessive 5; Pulmonary fibrosis and/or bone marrow failure, Telomere-related, 3. Last evaluated: 2023-07-12. Review status: criteria provided, single submitter. Criteria: Invitae Variant Classification Sherloc (09022015). Collection method: clinical testing. Allele origin: germline.
Comment: In summary, the available evidence is currently insufficient to determine the role of this variant in disease. Therefore, it has been classified as a Variant of Uncertain Significance. An algorithm developed to predict the effect of missense changes on protein structure and function (PolyPhen-2) suggests that this variant is likely to be disruptive. This variant has not been reported in the literature in individuals affected with RTEL1-related conditions. This variant is not present in population databases (gnomAD no frequency). This sequence change replaces threonine, which is neutral and polar, with isoleucine, which is neutral and non-polar, at codon 245 of the RTEL1 protein (p.Thr245Ile).

NM_001283009.2(RTEL1):c.734C>T (p.Thr245Ile)

Genes: RTEL1 (regulator of telomere elongation helicase 1; plus strand), RTEL1-TNFRSF6B (RTEL1-TNFRSF6B readthrough (NMD candidate); plus strand). Cytogenetic location: 20q13.33.
Variant type: single nucleotide variant.
Coding change: c.734C>T on transcript NM_001283009.2 (MANE Select); coding-DNA position 734, C replaced by T.
Protein change: p.Thr245Ile; replaces threonine 245 with isoleucine.
Molecular consequence: missense variant. On other transcripts: non-coding transcript variant (1).
Genome position (GRCh38, 1-based): chr20:63,672,590, C>T. VCF-style: chr20-63672590-C-T. GRCh37 (hg19) VCF-style: chr20-62303943-C-T.
Other names: c.806C>T, p.Thr269Ile (NM_032957.5); c.65C>T, p.Thr22Ile (NM_001283010.1); c.734C>T, p.Thr245Ile (NM_016434.4); short protein forms T245I, T269I, T22I.
Identifiers: ClinVar variation 2940087 (VCV002940087.3), dbSNP rs2517033557, ClinGen allele CA409672028.
Genomic context (GRCh38, chr20:63,672,590, plus strand): 5'-CTGCGTCCCTTCTCTTCCTCCTGTAGAGCCGCAGAGCACACAACATTGACCTGAAGGGGA[C>T]AGTCGTGATCTTTGACGAAGCTCACAACGTGGTGAGTCTCCGCTGGCCTCCTAAACACCT-3'
Protein context (NP_001269938.1, residues 235-255): RRAHNIDLKG[Thr245Ile]VVIFDEAHNV